The following is an entry in ClinVar:

ClinVar aggregate classification (germline): Benign. Review status: criteria provided, multiple submitters, no conflicts (2 of 4 stars). 2 submissions from 2 submitters: Benign (2). Last evaluated 2024-07-15.

Submissions (2):

Unidad de Genómica Garrahan, Hospital de Pediatría Garrahan
Classification: Benign. Last evaluated: 2024-07-15. Review status: criteria provided, single submitter. Criteria: ACMG Guidelines, 2015. Collection method: clinical testing. Allele origin: germline. Affected: no. Observed: 50 variant alleles.
Comment: This variant is classified as Benign based on local population frequency. This variant was detected in 54% of patients studied in a panel designed for Epileptic and Developmental Encephalopathy and Progressive Myoclonus Epilepsy. Number of patients: 50. Only high quality variants are reported.

GeneDx
Classification: Benign. Last evaluated: 2019-08-20. Review status: criteria provided, single submitter. Criteria: GeneDx Variant Classification Process June 2021. Collection method: clinical testing. Allele origin: germline. Affected: yes.

NM_012120.3(CD2AP):c.904-38_904-37dup

Gene: CD2AP (CD2 associated protein; plus strand). Cytogenetic location: 6p12.3.
Variant type: Duplication.
Coding change: c.904-38_904-37dup on transcript NM_012120.3 (MANE Select); 38 bases into the intron before coding-DNA position 904 through 37 bases into the intron before coding-DNA position 904, 2 bases duplicated (AA; older notation c.904-38_904-37dupAA).
Molecular consequence: intron variant.
Genome position (GRCh38, 1-based): chr6:47,579,347-47,579,348, AA duplicated; duplicating any 2 consecutive bases within chr6:47,579,335-47,579,348 gives the same sequence; the c. name uses the placement nearest the transcript's 3' end. VCF-style (leftmost placement, unchanged base first): chr6-47579334-T-TAA. GRCh37 (hg19) VCF-style: chr6-47547070-T-TAA.
Identifiers: ClinVar variation 1236281 (VCV001236281.5), dbSNP rs34735056, ClinGen allele CA3844137.